The following is an entry in ClinVar:

ClinVar aggregate classification (germline): Likely pathogenic. Review status: criteria provided, single submitter (1 of 4 stars). 3 submissions from 3 submitters: Likely pathogenic (1). 2 of the submissions do not count toward it. Last evaluated 2026-02-13.

Conditions:
Cardiovascular phenotype. Identifiers: MedGen CN230736.
Familial long QT syndrome (RWS). Also called: Romano-Ward syndrome; VENTRICULAR FIBRILLATION WITH PROLONGED QT INTERVAL; Congenital long QT syndrome. Identifiers: Orphanet 768, MedGen C1141890, MONDO:0019171.
Andersen Tawil syndrome (LQT7). Also called: Potassium-sensitive periodic paralysis, ventricular ectopy, and dysmorphic features; Andersen Syndrome; ANDERSEN CARDIODYSRHYTHMIC PERIODIC PARALYSIS; PERIODIC PARALYSIS, POTASSIUM-SENSITIVE CARDIODYSRHYTHMIC TYPE; LONG QT SYNDROME 7. Identifiers: Orphanet 37553, MedGen C1563715, MONDO:0008222, OMIM 170390.

Submissions (3):

Ambry Genetics
Classification: Likely pathogenic for Cardiovascular phenotype. Last evaluated: 2026-02-13. Review status: criteria provided, single submitter. Criteria: Ambry Variant Classification Scheme 2023. Collection method: clinical testing. Allele origin: germline.
Comment: The p.N216H variant (also known as c.646A>C), located in coding exon 1 of the KCNJ2 gene, results from an A to C substitution at nucleotide position 646. The asparagine at codon 216 is replaced by histidine, an amino acid with similar properties. This variant was identified in individuals with features consistent with Andersen-Tawil syndrome (ATS) and segregated with disease in at least one family (Tristani-Firouzi M et al. J Clin Invest, 2002 Aug;110:381-8; Zhang L et al. Circulation, 2005 May;111:2720-6; Mazzanti A et al. J Am Coll Cardiol, 2020 Apr;75:1772-1784). In multiple assays testing KCNJ2 function, this variant showed functionally abnormal results (Bendahhou S et al. J Biol Chem, 2003 Dec;278:51779-85; Limberg MM et al. Basic Res Cardiol, 2013 May;108:353). This amino acid position is highly conserved in available vertebrate species. In addition, this alteration is predicted to be deleterious by in silico analysis. This variant is considered to be rare based on population cohorts in the Genome Aggregation Database (gnomAD). Based on the majority of available evidence to date, this variant is likely to be pathogenic.

OMIM
Classification: Pathogenic for ANDERSEN CARDIODYSRHYTHMIC PERIODIC PARALYSIS. Last evaluated: 2002-08-01. Review status: no assertion criteria provided. Collection method: literature only. Allele origin: germline. Not counted in ClinVar's aggregate classification.

Cardiovascular Biomedical Research Unit, Royal Brompton & Harefield NHS Foundation Trust
No classification provided. Condition: Familial long QT syndrome. Review status: no classification provided. Collection method: literature only. Allele origin: germline. Not counted in ClinVar's aggregate classification.
Comment: This variant has been reported in the following publications (PMID:12163457).

Literature cited by the submitters: PubMed 12163457 (cited by 3 submitters); PubMed 14522976 (cited by Ambry Genetics); PubMed 15911703 (cited by Ambry Genetics); PubMed 23644778 (cited by Ambry Genetics); PubMed 32299589 (cited by Ambry Genetics); PubMed 22581653 (cited by Cardiovascular Biomedical Research Unit, Royal Brompton & Harefield NHS Foundation Trust).

NM_000891.3(KCNJ2):c.646A>C (p.Asn216His)

Gene: KCNJ2 (potassium inwardly rectifying channel subfamily J member 2; plus strand). Cytogenetic location: 17q24.3.
Variant type: single nucleotide variant.
Coding change: c.646A>C on transcript NM_000891.3 (MANE Select); coding-DNA position 646, A replaced by C.
Protein change: p.Asn216His; replaces asparagine 216 with histidine.
Molecular consequence: missense variant.
Genome position (GRCh38, 1-based): chr17:70,175,685, A>C. VCF-style: chr17-70175685-A-C. GRCh37 (hg19) VCF-style: chr17-68171826-A-C.
Other names: c.646A>C (LRG_328t1); short protein forms N216H.
Identifiers: ClinVar variation 8926 (VCV000008926.3), dbSNP rs104894583, ClinGen allele CA254600.